The following is an entry in ClinVar:

ClinVar aggregate classification (germline): Uncertain significance. Review status: criteria provided, multiple submitters, no conflicts (2 of 4 stars). 2 submissions from 2 submitters: Uncertain significance (2). Last evaluated 2025-08-20.

Conditions:
Hereditary cancer-predisposing syndrome. Also called: Neoplastic Syndromes, Hereditary; Tumor predisposition; Hereditary neoplastic syndrome; Hereditary Cancer Syndrome. Identifiers: Orphanet 140162, MedGen C0027672, MeSH D009386, MONDO:0015356.

Allele frequency attached by ClinVar (database versions not stated): gnomAD exomes below 0.00001.
gnomAD v4.1: 1 of 1,614,218 alleles (0.000062%); highest among the groups gnomAD compares: Admixed American, 0.0017%; no homozygotes.

Submissions (2):

Ambry Genetics
Classification: Uncertain significance for Hereditary cancer-predisposing syndrome. Last evaluated: 2025-08-20. Review status: criteria provided, single submitter. Criteria: Ambry Variant Classification Scheme 2023. Collection method: clinical testing. Allele origin: germline.
Comment: The p.Y187D variant (also known as c.559T>G), located in coding exon 3 of the XRCC2 gene, results from a T to G substitution at nucleotide position 559. The tyrosine at codon 187 is replaced by aspartic acid, an amino acid with highly dissimilar properties. This amino acid position is conserved. In addition, the in silico prediction for this alteration is inconclusive. Based on the available evidence, the clinical significance of this variant remains unclear.

Labcorp Genetics (formerly Invitae), Labcorp
Classification: Uncertain significance. Last evaluated: 2023-03-04. Review status: criteria provided, single submitter. Criteria: Invitae Variant Classification Sherloc (09022015). Collection method: clinical testing. Allele origin: germline.
Comment: This sequence change replaces tyrosine, which is neutral and polar, with aspartic acid, which is acidic and polar, at codon 187 of the XRCC2 protein (p.Tyr187Asp). This variant is not present in population databases (gnomAD no frequency). This variant has not been reported in the literature in individuals affected with XRCC2-related conditions. Advanced modeling of protein sequence and biophysical properties (such as structural, functional, and spatial information, amino acid conservation, physicochemical variation, residue mobility, and thermodynamic stability) performed at Invitae indicates that this missense variant is expected to disrupt XRCC2 protein function. In summary, the available evidence is currently insufficient to determine the role of this variant in disease. Therefore, it has been classified as a Variant of Uncertain Significance.

NM_005431.2(XRCC2):c.559T>G (p.Tyr187Asp)

Gene: XRCC2 (X-ray repair cross complementing 2; minus strand). Cytogenetic location: 7q36.1.
Variant type: single nucleotide variant.
Coding change: c.559T>G on transcript NM_005431.2 (MANE Select); coding-DNA position 559, T replaced by G.
Protein change: p.Tyr187Asp; replaces tyrosine 187 with aspartic acid.
Molecular consequence: missense variant.
Genome position (GRCh38, 1-based): chr7:152,648,926, A>C on the plus strand (T>G on the coding strand, the complement: XRCC2 is on the minus strand). VCF-style: chr7-152648926-A-C. GRCh37 (hg19) VCF-style: chr7-152346011-A-C.
Other names: c.559T>G (NM_005431.1); short protein forms Y187D.
Identifiers: ClinVar variation 2715338 (VCV002715338.4), dbSNP rs2485881015, ClinGen allele CA370198427.